The following is an entry in ClinVar:

ClinVar aggregate classification (germline): Pathogenic/Likely pathogenic. Review status: criteria provided, multiple submitters, no conflicts (2 of 4 stars). 2 submissions from 2 submitters: Pathogenic (1); Likely pathogenic (1). Last evaluated 2022-12-02.

Conditions:
Marfan syndrome (MFS). Also called: Marfan syndrome, classic; Marfan syndrome type 1; Marfan's syndrome; MARFAN SYNDROME, TYPE I; FBN1-Related Marfan Syndrome. Identifiers: Orphanet 284963, Orphanet 558, MedGen C0024796, MONDO:0007947, OMIM 154700.
Familial thoracic aortic aneurysm and aortic dissection (TAAD). Also called: Thoracic aortic aneurysms and dissections. Identifiers: Orphanet 91387, MedGen C4707243, MONDO:0019625.

Submissions (2):

Labcorp Genetics (formerly Invitae), Labcorp
Classification: Pathogenic for Marfan syndrome; Familial thoracic aortic aneurysm and aortic dissection. Last evaluated: 2022-12-02. Review status: criteria provided, single submitter. Criteria: Invitae Variant Classification Sherloc (09022015). Collection method: clinical testing. Allele origin: germline.
Comment: For these reasons, this variant has been classified as Pathogenic. Algorithms developed to predict the effect of sequence changes on RNA splicing suggest that this variant may create or strengthen a splice site. ClinVar contains an entry for this variant (Variation ID: 406294). This variant has not been reported in the literature in individuals affected with FBN1-related conditions. This variant is not present in population databases (gnomAD no frequency). This sequence change creates a premature translational stop signal (p.Cys1055*) in the FBN1 gene. It is expected to result in an absent or disrupted protein product. Loss-of-function variants in FBN1 are known to be pathogenic (PMID: 17657824, 19293843).

Revvity Omics, Revvity
Classification: Likely pathogenic. Last evaluated: 2021-03-03. Review status: criteria provided, single submitter. Criteria: ACMG Guidelines, 2015. Collection method: clinical testing. Allele origin: germline.

Literature cited by the submitters: PubMed 17657824 (cited by Labcorp Genetics (formerly Invitae), Labcorp); PubMed 19293843 (cited by Labcorp Genetics (formerly Invitae), Labcorp).

NM_000138.5(FBN1):c.3165T>A (p.Cys1055Ter)

Gene: FBN1 (fibrillin 1; minus strand). Cytogenetic location: 15q21.1.
Variant type: single nucleotide variant.
Coding change: c.3165T>A on transcript NM_000138.5 (MANE Select); coding-DNA position 3165, T replaced by A.
Protein change: p.Cys1055Ter; replaces cysteine 1055 with a stop codon.
Molecular consequence: nonsense.
Genome position (GRCh38, 1-based): chr15:48,488,411, A>T on the plus strand (T>A on the coding strand, the complement: FBN1 is on the minus strand). VCF-style: chr15-48488411-A-T. GRCh37 (hg19) VCF-style: chr15-48780608-A-T.
Other names: short protein forms C1055*.
Identifiers: ClinVar variation 406294 (VCV000406294.13), dbSNP rs1060501040, ClinGen allele CA16614522.